The following is an entry in ClinVar:

ClinVar aggregate classification (germline): Likely benign (1 of 4 stars; one submission).

Allele frequency attached by ClinVar (database versions not stated): gnomAD 0.00230; ExAC 0.00255; gnomAD exomes 0.00397; 1000 Genomes Project 30x 0.00031; 1000 Genomes Project 0.00040; ESP Exome Variant Server 0.00223.
gnomAD v4.1: 5,768 of 1,504,224 alleles (0.38%); highest among the groups gnomAD compares: Non-Finnish European, 0.47%; 1,083 homozygotes.

Submission:

CeGaT Center for Human Genetics Tuebingen
Classification: Likely benign. Last evaluated: 2023-07-01. Review status: criteria provided, single submitter. Criteria: CeGaT Center For Human Genetics Tuebingen Variant Classification Criteria Version 2. Collection method: clinical testing. Allele origin: germline. Affected: yes. Observed: 1 variant allele.
Comment: OR11H12: BP4, BS2

NM_001013354.1(OR11H12):c.206G>A (p.Arg69Gln)

Gene: OR11H12 (olfactory receptor family 11 subfamily H member 12; plus strand). Cytogenetic location: 14q11.2.
Variant type: single nucleotide variant.
Coding change: c.206G>A on transcript NM_001013354.1 (MANE Select); coding-DNA position 206, G replaced by A.
Protein change: p.Arg69Gln; replaces arginine 69 with glutamine.
Molecular consequence: missense variant.
Genome position (GRCh38, 1-based): chr14:18,601,322, G>A. VCF-style: chr14-18601322-G-A. GRCh37 (hg19) VCF-style: chr14-19377799-G-A.
Other names: short protein forms R69Q.
Identifiers: ClinVar variation 2644025 (VCV002644025.24), dbSNP rs149127676, ClinGen allele CA7071076.